The following is an entry in ClinVar:

NM_001267550.2(TTN):c.71237del (p.Phe23746fs)

Genes: TTN (titin; minus strand), TTN-AS1 (TTN antisense RNA 1; plus strand). Cytogenetic location: 2q31.2.
Variant type: Deletion.
Coding change: c.71237del on transcript NM_001267550.2 (MANE Select); coding-DNA position 71237, one base deleted (T; older notation c.71237delT).
Protein change: p.Phe23746fs; shifts the reading frame from phenylalanine 23746.
Molecular consequence: frameshift variant.
Genome position (GRCh38, 1-based): chr2:178,574,895, A deleted on the plus strand (T on the coding strand, the reverse complement: TTN is on the minus strand); the first of 2 consecutive A bases (chr2:178,574,895-178,574,896); deleting either gives the same sequence. VCF-style (leftmost placement, unchanged base first): chr2-178574894-GA-G. GRCh37 (hg19) VCF-style: chr2-179439621-GA-G.
Other names: c.66314del, p.Phe22105fs (NM_001256850.1); c.44042del, p.Phe14681fs (NM_003319.4); c.63533del, p.Phe21178fs (NM_133378.4); c.44417del, p.Phe14806fs (NM_133432.3); c.44618del, p.Phe14873fs (NM_133437.4); short protein forms F21178fs, F22105fs, F23746fs, F14681fs, F14806fs, F14873fs.
Identifiers: ClinVar variation 2945249 (VCV002945249.4), dbSNP rs2468651662, ClinGen allele CA2739292287.

ClinVar aggregate classification (germline): Likely pathogenic. Review status: criteria provided, multiple submitters, no conflicts (2 of 4 stars). 2 submissions from 2 submitters: Likely pathogenic (2). Last evaluated 2023-04-27.

Conditions:
TTN-related disorder. Also called: TTN-related disorders; TTN-related condition; TTN-related disease.
Dilated cardiomyopathy 1G (CMD1G). Identifiers: Orphanet 154, MedGen C1858763, MONDO:0011400, OMIM 604145.
Autosomal recessive limb-girdle muscular dystrophy type 2J (LGMDR10). Also called: Limb-girdle muscular dystrophy, type 2J; MUSCULAR DYSTROPHY, LIMB-GIRDLE, AUTOSOMAL RECESSIVE 10. Identifiers: Orphanet 140922, MedGen C1837342, MONDO:0012127, OMIM 608807.

Submissions (2):

Blueprint Genetics
Classification: Likely pathogenic for TTN-related disorders. Last evaluated: 2023-04-27. Review status: criteria provided, single submitter. Criteria: ACMG Guidelines, 2015. Collection method: clinical testing. Allele origin: germline. Affected: yes. Observed: 1 variant allele.

Labcorp Genetics (formerly Invitae), Labcorp
Classification: Likely pathogenic for Dilated cardiomyopathy 1G; Autosomal recessive limb-girdle muscular dystrophy type 2J. Last evaluated: 2023-03-13. Review status: criteria provided, single submitter. Criteria: Invitae Variant Classification Sherloc (09022015). Collection method: clinical testing. Allele origin: germline.
Comment: In summary, the currently available evidence indicates that the variant is pathogenic, but additional data are needed to prove that conclusively. Therefore, this variant has been classified as Likely Pathogenic. This variant is located in the A band of TTN (PMID: 25589632). Truncating variants in this region are significantly overrepresented in patients affected with dilated cardiomyopathy (PMID: 25589632). Truncating variants in this region have also been reported in individuals affected with autosomal recessive centronuclear myopathy (PMID: 23975875). This variant has not been reported in the literature in individuals affected with TTN-related conditions. This variant is not present in population databases (gnomAD no frequency). This sequence change creates a premature translational stop signal (p.Phe23746Serfs*14) in the TTN gene. While this is not anticipated to result in nonsense mediated decay, it is expected to create a truncated TTN protein.

Literature cited by the submitters: PubMed 25589632 (cited by Labcorp Genetics (formerly Invitae), Labcorp); PubMed 23975875 (cited by Labcorp Genetics (formerly Invitae), Labcorp).